The following is an entry in ClinVar:

NM_014781.5(RB1CC1):c.1922C>T (p.Ala641Val)

Gene: RB1CC1 (RB1 inducible coiled-coil 1; minus strand). Cytogenetic location: 8q11.23.
Variant type: single nucleotide variant.
Coding change: c.1922C>T on transcript NM_014781.5 (MANE Select); coding-DNA position 1922, C replaced by T.
Protein change: p.Ala641Val; replaces alanine 641 with valine.
Molecular consequence: missense variant.
Genome position (GRCh38, 1-based): chr8:52,657,907, G>A on the plus strand (C>T on the coding strand, the complement: RB1CC1 is on the minus strand). VCF-style: chr8-52657907-G-A. GRCh37 (hg19) VCF-style: chr8-53570467-G-A.
Other names: NC_000008.10:g.53570467G>A; c.1922C>T, p.Ala641Val (NM_001083617.2); short protein forms A641V.
Identifiers: ClinVar variation 4347554 (VCV004347554.3).
Genomic context (GRCh38, chr8:52,657,907, plus strand): 5'-CCTGCTGTACTTTCCATCCTTGGTGAAGAAGCAGACTGTGGGGATGTCTGACTCACAGAT[G>A]CCTGGAAAACAGAAAGAAAGGCTTAAAGAGCTGCAGGAACACAAACATTTTACACTAATG-3'
Protein context (NP_055596.3, residues 631-651): TITDLLSEQK[Ala641Val]SVSQTSPQSA

ClinVar aggregate classification (germline): Uncertain significance (1 of 4 stars; one submission).

gnomAD v4.1: 71 of 1,612,938 alleles (0.0044%); highest among the groups gnomAD compares: Middle Eastern, 0.016%; no homozygotes.

Submissions (2):

Dasa
Classification: Uncertain significance. Last evaluated: 2024-12-12. Review status: criteria provided, single submitter. Criteria: DASA Assertion Criteria. Collection method: clinical testing. Allele origin: germline.
Comment: NM_014781.5(RB1CC1):c.1922C>T (p.Ala641Val) is a missense variant that results in the substitution of alanine with valine. This variant is rare in population databases. Computational prediction algorithms are consistent with a benign effect. The currently available literature and clinical evidence are not sufficient to establish a definitive association between this variant and the reported condition. Therefore, this variant is classified as a variant of uncertain significance.

Dr. Peter K. Rogan Lab, Western University
No classification provided (evidence only). Condition: Melanoma. Review status: no classification provided. Collection method: in vitro. Allele origin: not applicable. Functional consequence: retained intron. Not counted in ClinVar's aggregate classification.